The following is an entry in ClinVar:

ClinVar aggregate classification (germline): Uncertain significance (1 of 4 stars; one submission).

Submission:

Ambry Genetics
Classification: Uncertain significance. Last evaluated: 2024-05-01. Review status: criteria provided, single submitter. Criteria: Ambry Variant Classification Scheme 2023. Collection method: clinical testing. Allele origin: germline.
Comment: The p.K359Q variant (also known as c.1075A>C), located in coding exon 3 of the EGLN1 gene, results from an A to C substitution at nucleotide position 1075. The lysine at codon 359 is replaced by glutamine, an amino acid with similar properties. This amino acid position is conserved. In addition, this alteration is predicted to be tolerated by in silico analysis. Since supporting evidence is limited at this time, the clinical significance of this alteration remains unclear.

NM_022051.3(EGLN1):c.1075A>C (p.Lys359Gln)

Gene: EGLN1 (egl-9 family hypoxia inducible factor 1; minus strand). Cytogenetic location: 1q42.2.
Variant type: single nucleotide variant.
Coding change: c.1075A>C on transcript NM_022051.3 (MANE Select); coding-DNA position 1075, A replaced by C.
Protein change: p.Lys359Gln; replaces lysine 359 with glutamine.
Molecular consequence: missense variant. On other transcripts: intron variant (1).
Genome position (GRCh38, 1-based): chr1:231,370,635, T>G on the plus strand (A>C on the coding strand, the complement: EGLN1 is on the minus strand). VCF-style: chr1-231370635-T-G. GRCh37 (hg19) VCF-style: chr1-231506381-T-G.
Other names: c.1075A>C, p.Lys359Gln (NM_001377260.1); c.1012-2999A>C (NM_001377261.1); short protein forms K359Q.
Identifiers: ClinVar variation 1784589 (VCV001784589.3), dbSNP rs2527228377, ClinGen allele CA345240384.